The following is an entry in ClinVar:

ClinVar aggregate classification (germline): Pathogenic (1 of 4 stars; one submission).

Conditions:
Neurofibromatosis, type 1 (NF1). Also called: VON RECKLINGHAUSEN DISEASE; NEUROFIBROMATOSIS, TYPE I, SOMATIC; Peripheral type neurofibromatosis; Neurofibromatosis, type I. Identifiers: Orphanet 636, MedGen C0027831, MONDO:0018975, OMIM 162200. Disease mechanism: loss of function.

Submission:

Labcorp Genetics (formerly Invitae), Labcorp
Classification: Pathogenic for Neurofibromatosis, type 1. Last evaluated: 2017-07-27. Review status: criteria provided, single submitter. Criteria: Invitae Variant Classification Sherloc (09022015). Collection method: clinical testing. Allele origin: germline.
Comment: For these reasons, this variant has been classified as Pathogenic. Loss-of-function variants in NF1 are known to be pathogenic (PMID: 10712197, 23913538). This variant has been reported in an individual affected with neurofibromatosis, type 1 (PMID: 20602485). This variant is not present in population databases (ExAC no frequency). This sequence change creates a premature translational stop signal (p.Thr956Asnfs*19) in the NF1 gene. It is expected to result in an absent or disrupted protein product.

Literature cited by the submitters: PubMed 10712197; PubMed 23913538; PubMed 20602485.

NM_001042492.3(NF1):c.2866dup (p.Thr956fs)

Gene: NF1 (neurofibromin 1; plus strand). Cytogenetic location: 17q11.2.
Variant type: Duplication.
Coding change: c.2866dup on transcript NM_001042492.3 (MANE Select); coding-DNA position 2866, one base duplicated (A; older notation c.2866dupA).
Protein change: p.Thr956fs; shifts the reading frame from threonine 956.
Molecular consequence: frameshift variant.
Genome position (GRCh38, 1-based): chr17:31,229,850, A duplicated. VCF-style (leftmost placement, unchanged base first): chr17-31229849-T-TA. GRCh37 (hg19) VCF-style: chr17-29556867-T-TA.
Other names: c.2866dupA (NM_000267.3); c.2866dup, p.Thr956Asnfs (NM_000267.4); short protein forms T956fs.
Identifiers: ClinVar variation 457604 (VCV000457604.5), dbSNP rs1555614418, ClinGen allele CA658656547.